The following is an entry in ClinVar:

ClinVar aggregate classification (germline): Uncertain significance (1 of 4 stars; one submission).

Conditions:
Adams-Oliver syndrome 5 (AOS5). Identifiers: Orphanet 974, MedGen C4014970, MONDO:0014459, OMIM 616028.

Submission:

Labcorp Genetics (formerly Invitae), Labcorp
Classification: Uncertain significance for Adams-Oliver syndrome 5. Last evaluated: 2019-06-07. Review status: criteria provided, single submitter. Criteria: Invitae Variant Classification Sherloc (09022015). Collection method: clinical testing. Allele origin: germline.
Comment: In summary, the available evidence is currently insufficient to determine the role of this variant in disease. Therefore, it has been classified as a Variant of Uncertain Significance. Algorithms developed to predict the effect of missense changes on protein structure and function (SIFT, PolyPhen-2, Align-GVGD) all suggest that this variant is likely to be disruptive, but these predictions have not been confirmed by published functional studies and their clinical significance is uncertain. This variant has not been reported in the literature in individuals with NOTCH1-related conditions. This variant is not present in population databases (ExAC no frequency). This sequence change replaces cysteine with arginine at codon 361 of the NOTCH1 protein (p.Cys361Arg). The cysteine residue is highly conserved and there is a large physicochemical difference between cysteine and arginine.

NM_017617.5(NOTCH1):c.1081T>C (p.Cys361Arg)

Gene: NOTCH1 (notch receptor 1; minus strand). Cytogenetic location: 9q34.3.
Variant type: single nucleotide variant.
Coding change: c.1081T>C on transcript NM_017617.5 (MANE Select); coding-DNA position 1081, T replaced by C.
Protein change: p.Cys361Arg; replaces cysteine 361 with arginine.
Molecular consequence: missense variant.
Genome position (GRCh38, 1-based): chr9:136,518,609, A>G on the plus strand (T>C on the coding strand, the complement: NOTCH1 is on the minus strand). VCF-style: chr9-136518609-A-G. GRCh37 (hg19) VCF-style: chr9-139413061-A-G.
Other names: short protein forms C361R.
Identifiers: ClinVar variation 933426 (VCV000933426.9), dbSNP rs1843315932, ClinGen allele CA375565267.
Genomic context (GRCh38, chr9:136,518,609, plus strand): 5'-CATGTGAGCCCCCTGCGCCCACCTGGGCCTCAAGGCACTCACCTGTGCGGCCATGGGGAC[A>G]CTCGCAGTAGAAGGAGGCCACACGGTCATGGCAGGTGGCGCCGTGGAAGCAGGCGGCGCT-3'
Protein context (NP_060087.3, residues 351-371): HDRVASFYCE[Cys361Arg]PHGRTGLLCH